The following is an entry in ClinVar:

NM_005188.4(CBL):c.2696C>A (p.Ser899Tyr)

Gene: CBL (Cbl proto-oncogene; plus strand). Cytogenetic location: 11q23.3.
Variant type: single nucleotide variant.
Coding change: c.2696C>A on transcript NM_005188.4 (MANE Select); coding-DNA position 2696, C replaced by A.
Protein change: p.Ser899Tyr; replaces serine 899 with tyrosine.
Molecular consequence: missense variant.
Genome position (GRCh38, 1-based): chr11:119,299,756, C>A. VCF-style: chr11-119299756-C-A. GRCh37 (hg19) VCF-style: chr11-119170466-C-A.
Other names: short protein forms S899Y.
Identifiers: ClinVar variation 3996081 (VCV003996081.1).
Genomic context (GRCh38, chr11:119,299,756, plus strand): 5'-TCATTGCCCAGAACAACATCGAGATGGCCAAAAACATCCTCCGGGAATTTGTTTCCATTT[C>A]TTCTCCTGCCCATGTAGCTACCTAGCACACCATCTCCCTGCTGCAGGTTTAGAGGACCAG-3'
Protein context (NP_005179.2, residues 889-906): KNILREFVSI[Ser899Tyr]SPAHVAT

ClinVar aggregate classification (germline): Uncertain significance (1 of 4 stars; one submission).

Conditions:
Cardiovascular phenotype. Identifiers: MedGen CN230736.

Submission:

Ambry Genetics
Classification: Uncertain significance for Cardiovascular phenotype. Last evaluated: 2025-06-02. Review status: criteria provided, single submitter. Criteria: Ambry Variant Classification Scheme 2023. Collection method: clinical testing. Allele origin: germline.
Comment: The p.S899Y variant (also known as c.2696C>A), located in coding exon 16 of the CBL gene, results from a C to A substitution at nucleotide position 2696. The serine at codon 899 is replaced by tyrosine, an amino acid with dissimilar properties. This amino acid position is conserved. In addition, the in silico prediction for this alteration is inconclusive. Based on the available evidence, the clinical significance of this variant remains unclear.